The following is an entry in ClinVar:

ClinVar aggregate classification (germline): Likely benign (1 of 4 stars; one submission).

Submission:

CeGaT Center for Human Genetics Tuebingen
Classification: Likely benign. Last evaluated: 2024-12-01. Review status: criteria provided, single submitter. Criteria: CeGaT Center For Human Genetics Tuebingen Variant Classification Criteria Version 2. Collection method: clinical testing. Allele origin: germline. Affected: yes. Observed: 1 variant allele.
Comment: CCDC148: PM2:Supporting, BP4, BP7

NM_138803.4(CCDC148):c.1641C>T (p.Asp547=)

Genes: CCDC148-AS1 (CCDC148 antisense RNA 1; plus strand), CCDC148 (coiled-coil domain containing 148; minus strand). Cytogenetic location: 2q24.1.
Variant type: single nucleotide variant.
Coding change: c.1641C>T on transcript NM_138803.4 (MANE Select); coding-DNA position 1641, C replaced by T.
Protein change: p.Asp547=; no amino-acid change (aspartic acid 547 retained).
Molecular consequence: synonymous variant.
Genome position (GRCh38, 1-based): chr2:158,172,248, G>A on the plus strand (C>T on the coding strand, the complement: CCDC148 is on the minus strand). VCF-style: chr2-158172248-G-A. GRCh37 (hg19) VCF-style: chr2-159028760-G-A.
Other names: c.1203C>T, p.Asp401= (NM_001301684.2).
Identifiers: ClinVar variation 3772058 (VCV003772058.13).